The following is an entry in ClinVar:

NM_006231.4(POLE):c.957T>C (p.Asp319=)

Gene: POLE (DNA polymerase epsilon, catalytic subunit; minus strand). Cytogenetic location: 12q24.33.
Variant type: single nucleotide variant.
Coding change: c.957T>C on transcript NM_006231.4 (MANE Select); coding-DNA position 957, T replaced by C.
Protein change: p.Asp319=; no amino-acid change (aspartic acid 319 retained).
Molecular consequence: synonymous variant.
Genome position (GRCh38, 1-based): chr12:132,676,157, A>G on the plus strand (T>C on the coding strand, the complement: POLE is on the minus strand). VCF-style: chr12-132676157-A-G. GRCh37 (hg19) VCF-style: chr12-133252743-A-G.
Identifiers: ClinVar variation 240635 (VCV000240635.12), dbSNP rs878854899, ClinGen allele CA10583024.

ClinVar aggregate classification (germline): Benign/Likely benign. Review status: criteria provided, multiple submitters, no conflicts (2 of 4 stars). 3 submissions from 3 submitters: Benign (1); Likely benign (2). Last evaluated 2025-09-21.

Conditions:
Hereditary cancer-predisposing syndrome. Also called: Tumor predisposition; Neoplastic Syndromes, Hereditary; Hereditary Cancer Syndrome; Hereditary neoplastic syndrome. Identifiers: Orphanet 140162, MedGen C0027672, MeSH D009386, MONDO:0015356.
Colorectal cancer, susceptibility to, 12 (CRCS12). Also called: COLORECTAL CANCER, SUSCEPTIBILITY TO, ON CHROMOSOME 12q24. Identifiers: Orphanet 220460, MedGen C3554460, MONDO:0014038, OMIM 615083.

Submissions (3):

Ambry Genetics
Classification: Likely benign for Hereditary cancer-predisposing syndrome. Last evaluated: 2025-09-21. Review status: criteria provided, single submitter. Criteria: Ambry Variant Classification Scheme 2023. Collection method: clinical testing. Allele origin: germline.

Labcorp Genetics (formerly Invitae), Labcorp
Classification: Likely benign. Last evaluated: 2025-02-19. Review status: criteria provided, single submitter. Criteria: Invitae Variant Classification Sherloc (09022015). Collection method: clinical testing. Allele origin: germline.

Myriad Genetics, Inc.
Classification: Benign for Colorectal cancer, susceptibility to, 12. Last evaluated: 2025-02-07. Review status: criteria provided, single submitter. Criteria: Myriad Autosomal Dominant, Autosomal Recessive and X-Linked Classification Criteria (2023). Collection method: clinical testing. Allele origin: unknown.
Comment: This variant is considered benign. This variant is a silent/synonymous amino acid change and it is not expected to impact splicing.